The following is an entry in ClinVar:

ClinVar aggregate classification (germline): Benign/Likely benign. Review status: criteria provided, multiple submitters, no conflicts (2 of 4 stars). 3 submissions from 3 submitters: Benign (2); Likely benign (1). Last evaluated 2024-05-06.

Conditions:
Familial thoracic aortic aneurysm and aortic dissection (TAAD). Also called: Thoracic aortic aneurysms and dissections. Identifiers: Orphanet 91387, MedGen C4707243, MONDO:0019625.
Marfan syndrome (MFS). Also called: Marfan syndrome type 1; Marfan's syndrome; Marfan syndrome, classic; MARFAN SYNDROME, TYPE I; FBN1-Related Marfan Syndrome. Identifiers: Orphanet 284963, Orphanet 558, MedGen C0024796, MONDO:0007947, OMIM 154700.

Allele frequency attached by ClinVar (database versions not stated): gnomAD 0.00002; TOPMed 0.00002; gnomAD exomes 0.00004 and 0.00001; ExAC 0.00004.
gnomAD v4.1: 10 of 1,612,714 alleles (0.00062%); highest among the groups gnomAD compares: East Asian, 0.022%; no homozygotes.

Submissions (3):

Labcorp Genetics (formerly Invitae), Labcorp
Classification: Likely benign for Marfan syndrome; Familial thoracic aortic aneurysm and aortic dissection. Last evaluated: 2024-05-06. Review status: criteria provided, single submitter. Criteria: Invitae Variant Classification Sherloc (09022015). Collection method: clinical testing. Allele origin: germline.

All of Us Research Program, National Institutes of Health
Classification: Benign for Marfan syndrome. Last evaluated: 2023-11-30. Review status: criteria provided, single submitter. Criteria: ACMG Guidelines, 2015. Collection method: clinical testing. Allele origin: germline. Inheritance: Autosomal dominant inheritance. Observed: 3 variant alleles, 3 heterozygotes.
Comment: This study involves interpretation of variants in research participants for the purpose of population health screening. Participant phenotype was not available at the time of variant classification. Additional details can be found in publication PMID: 35346344, PMCID: PMC8962531

Color Diagnostics, LLC DBA Color Health
Classification: Benign for Familial thoracic aortic aneurysm and aortic dissection. Last evaluated: 2022-11-02. Review status: criteria provided, single submitter. Criteria: ACMG Guidelines, 2015. Collection method: clinical testing. Allele origin: germline.

NM_000138.5(FBN1):c.6998-7C>T

Gene: FBN1 (fibrillin 1; minus strand). Cytogenetic location: 15q21.1.
Variant type: single nucleotide variant.
Coding change: c.6998-7C>T on transcript NM_000138.5 (MANE Select); 7 bases into the intron before coding-DNA position 6998, C replaced by T.
Molecular consequence: intron variant.
Genome position (GRCh38, 1-based): chr15:48,427,780, G>A on the plus strand (C>T on the coding strand, the complement: FBN1 is on the minus strand). VCF-style: chr15-48427780-G-A. GRCh37 (hg19) VCF-style: chr15-48719977-G-A.
Identifiers: ClinVar variation 1081476 (VCV001081476.12), dbSNP rs764823572, ClinGen allele CA057811.